The following is an entry in ClinVar:

NM_002180.3(IGHMBP2):c.2513T>G (p.Leu838Arg)

Gene: IGHMBP2 (immunoglobulin mu DNA binding protein 2; plus strand). Cytogenetic location: 11q13.3.
Variant type: single nucleotide variant.
Coding change: c.2513T>G on transcript NM_002180.3 (MANE Select); coding-DNA position 2513, T replaced by G.
Protein change: p.Leu838Arg; replaces leucine 838 with arginine.
Molecular consequence: missense variant.
Genome position (GRCh38, 1-based): chr11:68,936,993, T>G. VCF-style: chr11-68936993-T-G. GRCh37 (hg19) VCF-style: chr11-68704461-T-G.
Other names: short protein forms L838R.
Identifiers: ClinVar variation 1380260 (VCV001380260.8), dbSNP rs755843076, ClinGen allele CA6153925.

ClinVar aggregate classification (germline): Uncertain significance (1 of 4 stars; one submission).

Conditions:
Autosomal recessive distal spinal muscular atrophy 1. Also called: NEURONOPATHY, SEVERE INFANTILE AXONAL, WITH RESPIRATORY FAILURE; SEVERE INFANTILE AXONAL NEUROPATHY WITH RESPIRATORY FAILURE; SPINAL MUSCULAR ATROPHY, DIAPHRAGMATIC; NEURONOPATHY, DISTAL HEREDITARY MOTOR, HARDING TYPE VI; NEUROPATHY, DISTAL HEREDITARY MOTOR, AUTOSOMAL RECESSIVE 1; Spinal muscular atrophy with respiratory distress 1. Identifiers: Orphanet 98920, MedGen C1858517, MONDO:0011436, OMIM 604320.
Charcot-Marie-Tooth disease axonal type 2S. Also called: CHARCOT-MARIE-TOOTH DISEASE, AXONAL, AUTOSOMAL RECESSIVE, TYPE 2S; CHARCOT-MARIE-TOOTH NEUROPATHY, TYPE 2S. Identifiers: Orphanet 443073, MedGen C4015349, MONDO:0014511, OMIM 616155.

gnomAD v4.1: 2 of 1,609,394 alleles (0.00012%); highest among the groups gnomAD compares: Non-Finnish European, 0.00017%; no homozygotes.

Submission:

Labcorp Genetics (formerly Invitae), Labcorp
Classification: Uncertain significance for Autosomal recessive distal spinal muscular atrophy 1; Charcot-Marie-Tooth disease axonal type 2S. Last evaluated: 2022-03-28. Review status: criteria provided, single submitter. Criteria: Invitae Variant Classification Sherloc (09022015). Collection method: clinical testing. Allele origin: germline.
Comment: This sequence change replaces leucine, which is neutral and non-polar, with arginine, which is basic and polar, at codon 838 of the IGHMBP2 protein (p.Leu838Arg). This variant is present in population databases (rs755843076, gnomAD 0.001%). This variant has not been reported in the literature in individuals affected with IGHMBP2-related conditions. Advanced modeling of protein sequence and biophysical properties (such as structural, functional, and spatial information, amino acid conservation, physicochemical variation, residue mobility, and thermodynamic stability) performed at Invitae indicates that this missense variant is not expected to disrupt IGHMBP2 protein function. In summary, the available evidence is currently insufficient to determine the role of this variant in disease. Therefore, it has been classified as a Variant of Uncertain Significance.